The following is an entry in ClinVar:

NM_006218.4(PIK3CA):c.2356C>G (p.Pro786Ala)

Gene: PIK3CA (phosphatidylinositol-4,5-bisphosphate 3-kinase catalytic subunit alpha; plus strand). Cytogenetic location: 3q26.32.
Variant type: single nucleotide variant.
Coding change: c.2356C>G on transcript NM_006218.4 (MANE Select); coding-DNA position 2356, C replaced by G.
Protein change: p.Pro786Ala; replaces proline 786 with alanine.
Molecular consequence: missense variant.
Genome position (GRCh38, 1-based): chr3:179,224,761, C>G. VCF-style: chr3-179224761-C-G. GRCh37 (hg19) VCF-style: chr3-178942549-C-G.
Other names: short protein forms P786A.
Identifiers: ClinVar variation 2453439 (VCV002453439.2), dbSNP rs1461675237, ClinGen allele CA355272093.
Genomic context (GRCh38, chr3:179,224,761, plus strand): 5'-CTTGAAGAGTGTCGAATTATGTCCTCTGCAAAAAGGCCACTGTGGTTGAATTGGGAGAAC[C>G]CAGACATCATGTCAGAGTTACTGTTTCAGAACAATGAGATCATCTTTAAAAATGGGGATG-3'
Protein context (NP_006209.2, residues 776-796): KRPLWLNWEN[Pro786Ala]DIMSELLFQN

ClinVar aggregate classification (germline): Uncertain significance (1 of 4 stars; one submission).

Conditions:
Inborn genetic diseases. Identifiers: MedGen C0950123, MeSH D030342.

Allele frequency attached by ClinVar (database versions not stated): gnomAD exomes below 0.00001.
gnomAD v4.1: 1 of 1,603,656 alleles (0.000062%); highest among the groups gnomAD compares: Non-Finnish European, 0.000085%; no homozygotes.

Submission:

Ambry Genetics
Classification: Uncertain significance for Inborn genetic diseases. Last evaluated: 2022-11-19. Review status: criteria provided, single submitter. Criteria: Ambry Variant Classification Scheme 2023. Collection method: clinical testing. Allele origin: germline.
Comment: The p.P786A variant (also known as c.2356C>G), located in coding exon 15 of the PIK3CA gene, results from a C to G substitution at nucleotide position 2356. The proline at codon 786 is replaced by alanine, an amino acid with highly similar properties. This amino acid position is conserved. In addition, the in silico prediction for this alteration is inconclusive. Since supporting evidence is limited at this time, the clinical significance of this alteration remains unclear.